The following is an entry in ClinVar:

ClinVar aggregate classification (germline): Uncertain significance (1 of 4 stars; one submission).

gnomAD v4.1: 1 of 1,611,878 alleles (0.000062%); highest among the groups gnomAD compares: Non-Finnish European, 0.000085%; no homozygotes.

Submission:

GeneDx
Classification: Uncertain significance. Last evaluated: 2026-09-19. Review status: criteria provided, single submitter. Criteria: GeneDx Variant Classification Process June 2021. Collection method: clinical testing. Allele origin: germline.
Comment: Not observed at significant frequency in large population cohorts (gnomAD); In silico analysis suggests that this missense variant does not alter protein structure/function; Has not been previously published as pathogenic or benign to our knowledge

NM_001122659.3(EDNRB):c.1307G>A (p.Ser436Asn)

Genes: EDNRB (endothelin receptor type B; minus strand), EDNRB-AS1 (EDNRB antisense RNA 1; plus strand). Cytogenetic location: 13q22.3.
Variant type: single nucleotide variant.
Coding change: c.1307G>A on transcript NM_001122659.3 (MANE Select); coding-DNA position 1307, G replaced by A.
Protein change: p.Ser436Asn; replaces serine 436 with asparagine.
Molecular consequence: missense variant. On other transcripts: intron variant (1).
Genome position (GRCh38, 1-based): chr13:77,898,222, C>T on the plus strand (G>A on the coding strand, the complement: EDNRB is on the minus strand). VCF-style: chr13-77898222-C-T. GRCh37 (hg19) VCF-style: chr13-78472357-C-T.
Other names: c.1307G>A, p.Ser436Asn (NM_000115.5); c.1577G>A, p.Ser526Asn (NM_001201397.2); c.1194+1637G>A (NM_003991.4); short protein forms S436N, S526N.
Identifiers: ClinVar variation 4083134 (VCV004083134.2).